The following is an entry in ClinVar:

ClinVar aggregate classification (germline): Pathogenic/Likely pathogenic. Review status: criteria provided, multiple submitters, no conflicts (2 of 4 stars). 3 submissions from 3 submitters: Pathogenic (2); Likely pathogenic (1). Last evaluated 2025-11-25.

Conditions:
Achondrogenesis, type IB (ACG1B). Also called: Achondrogenesis Type 1B. Identifiers: Orphanet 932, Orphanet 93298, MedGen C0265274, MONDO:0010966, OMIM 600972.
Diastrophic dysplasia (DTD). Also called: Diastrophic dwarfism. Identifiers: Orphanet 628, MedGen C0220726, MONDO:0009107, OMIM 222600.
Atelosteogenesis type II (AO2). Also called: Neonatal osseous dysplasia 1; SLC26A2-Related Atelosteogenesis; NEONATAL OSSEOUS DYSPLASIA I. Identifiers: Orphanet 56304, MedGen C1850554, MONDO:0009727, OMIM 256050.
Multiple epiphyseal dysplasia type 4 (EDM4). Also called: Multiple Epiphyseal Dysplasia, Recessive; SLC26A2-Related Multiple Epiphyseal Dysplasia; MULTIPLE EPIPHYSEAL DYSPLASIA WITH BILAYERED PATELLAE; MULTIPLE EPIPHYSEAL DYSPLASIA WITH CLUBFOOT; MULTIPLE EPIPHYSEAL DYSPLASIA, AUTOSOMAL RECESSIVE. Identifiers: Orphanet 93307, MedGen C1847593, MONDO:0009189, OMIM 226900.

Submissions (3):

Laboratory of Functional Genomics, Research Centre for Medical Genetics
Classification: Pathogenic for Multiple epiphyseal dysplasia type 4. Last evaluated: 2025-11-25. Review status: criteria provided, single submitter. Criteria: ACMG Guidelines, 2015. Collection method: clinical testing. Allele origin: germline. Inheritance: Autosomal recessive inheritance. Affected: yes. Observed: 1 variant allele.
Comment: This variant does not present in the gnomAD v4.1.0 database.

Laboratory of Inherited Metabolic Diseases, Research centre for medical genetics
Classification: Likely pathogenic for Diastrophic dysplasia. Last evaluated: 2022-04-01. Review status: criteria provided, single submitter. Criteria: ACMG Guidelines, 2015. Collection method: clinical testing. Allele origin: paternal. Affected: yes. Observed: 1 variant allele.

Labcorp Genetics (formerly Invitae), Labcorp
Classification: Pathogenic for Atelosteogenesis type II; Multiple epiphyseal dysplasia type 4; Achondrogenesis, type IB; Diastrophic dysplasia. Last evaluated: 2019-11-15. Review status: criteria provided, single submitter. Criteria: Invitae Variant Classification Sherloc (09022015). Collection method: clinical testing. Allele origin: germline.
Comment: This sequence change creates a premature translational stop signal (p.Ser5Argfs*4) in the SLC26A2 gene. It is expected to result in an absent or disrupted protein product. This variant is not present in population databases (ExAC no frequency). This variant has not been reported in the literature in individuals with SLC26A2-related conditions. Loss-of-function variants in SLC26A2 are known to be pathogenic (PMID: 7923357, 8528239, 8571951, 10482955, 11241838, 21077202). For these reasons, this variant has been classified as Pathogenic.

Literature cited by the submitters: PubMed 7923357 (cited by Labcorp Genetics (formerly Invitae), Labcorp); PubMed 8528239 (cited by Labcorp Genetics (formerly Invitae), Labcorp); PubMed 8571951 (cited by Labcorp Genetics (formerly Invitae), Labcorp); PubMed 10482955 (cited by Labcorp Genetics (formerly Invitae), Labcorp); PubMed 11241838 (cited by Labcorp Genetics (formerly Invitae), Labcorp); PubMed 21077202 (cited by Labcorp Genetics (formerly Invitae), Labcorp).

NM_000112.4(SLC26A2):c.15_19del (p.Ser5fs)

Gene: SLC26A2 (solute carrier family 26 member 2; plus strand). Cytogenetic location: 5q32.
Variant type: Deletion.
Coding change: c.15_19del on transcript NM_000112.4 (MANE Select); coding-DNA positions 15 to 19, 5 bases deleted (TAAAG; older notation c.15_19delTAAAG).
Protein change: p.Ser5fs; shifts the reading frame from serine 5.
Molecular consequence: frameshift variant.
Genome position (GRCh38, 1-based): chr5:149,977,667-149,977,671, TAAAG deleted; deleting any 5 consecutive bases within chr5:149,977,663-149,977,671 gives the same sequence; the c. name uses the placement nearest the transcript's 3' end. VCF-style (leftmost placement, unchanged base first): chr5-149977662-GAAAGT-G. GRCh37 (hg19) VCF-style: chr5-149357225-GAAAGT-G.
Other names: short protein forms S5fs.
Identifiers: ClinVar variation 971526 (VCV000971526.10), dbSNP rs1459144096, ClinGen allele CA563955667.